The following is an entry in ClinVar:

NM_000059.4(BRCA2):c.7561A>G (p.Ile2521Val)

Gene: BRCA2 (BRCA2 DNA repair associated; plus strand). Cytogenetic location: 13q13.1.
Variant type: single nucleotide variant.
Coding change: c.7561A>G on transcript NM_000059.4 (MANE Select); coding-DNA position 7561, A replaced by G.
Protein change: p.Ile2521Val; replaces isoleucine 2521 with valine.
Molecular consequence: missense variant.
Genome position (GRCh38, 1-based): chr13:32,356,553, A>G. VCF-style: chr13-32356553-A-G. GRCh37 (hg19) VCF-style: chr13-32930690-A-G.
Other names: short protein forms I2521V.
Identifiers: ClinVar variation 52355 (VCV000052355.14), dbSNP rs80358983, ClinGen allele CA025151.

ClinVar aggregate classification (germline): Conflicting classifications of pathogenicity. Review status: criteria provided, conflicting classifications (1 of 4 stars). 3 submissions from 3 submitters: Uncertain significance (1); Likely benign (1). 1 of the submissions does not count toward it. Last evaluated 2025-04-25.

Conditions:
Hereditary cancer-predisposing syndrome. Also called: Neoplastic Syndromes, Hereditary; Tumor predisposition; Hereditary neoplastic syndrome; Hereditary Cancer Syndrome. Identifiers: Orphanet 140162, MedGen C0027672, MeSH D009386, MONDO:0015356.
Hereditary breast ovarian cancer syndrome. Also called: Hereditary breast and ovarian cancer syndrome; Hereditary breast and ovarian cancer; Hereditary breast and ovarian cancer syndrome (HBOC); Breast and ovarian cancer; Hereditary breast and/or ovarian cancer syndrome; BRCA1- and BRCA2-Associated Hereditary Breast and Ovarian Cancer. Identifiers: Orphanet 145, MedGen C0677776, MeSH D061325, MONDO:0003582. Disease mechanism: loss of function.
Breast-ovarian cancer, familial, susceptibility to, 2 (BROVCA2). Also called: BRCA2 Hereditary Breast and Ovarian Cancer. Identifiers: Orphanet 145, MedGen C2675520, MONDO:0012933, OMIM 612555. Disease mechanism: loss of function.

Allele frequency attached by ClinVar (database versions not stated): gnomAD exomes below 0.00001.
gnomAD v4.1: 1 of 1,614,202 alleles (0.000062%); highest among the groups gnomAD compares: Non-Finnish European, 0.000085%; no homozygotes.

Submissions (3):

Ambry Genetics
Classification: Likely benign for Hereditary cancer-predisposing syndrome. Last evaluated: 2025-04-25. Review status: criteria provided, single submitter. Criteria: Ambry Variant Classification Scheme 2023. Collection method: clinical testing. Allele origin: germline.

Labcorp Genetics (formerly Invitae), Labcorp
Classification: Uncertain significance for Hereditary breast ovarian cancer syndrome. Last evaluated: 2023-10-07. Review status: criteria provided, single submitter. Criteria: Invitae Variant Classification Sherloc (09022015). Collection method: clinical testing. Allele origin: germline.
Comment: This sequence change replaces isoleucine, which is neutral and non-polar, with valine, which is neutral and non-polar, at codon 2521 of the BRCA2 protein (p.Ile2521Val). This variant is present in population databases (rs80358983, gnomAD 0.0009%). This variant has not been reported in the literature in individuals affected with BRCA2-related conditions. ClinVar contains an entry for this variant (Variation ID: 52355). Advanced modeling of protein sequence and biophysical properties (such as structural, functional, and spatial information, amino acid conservation, physicochemical variation, residue mobility, and thermodynamic stability) performed at Invitae indicates that this missense variant is not expected to disrupt BRCA2 protein function. In summary, the available evidence is currently insufficient to determine the role of this variant in disease. Therefore, it has been classified as a Variant of Uncertain Significance.

Breast Cancer Information Core (BIC) (BRCA2)
Classification: Uncertain significance for Breast-ovarian cancer, familial 2. Last evaluated: 2004-02-20. Review status: no assertion criteria provided. Collection method: clinical testing. Allele origin: germline. Affected: yes. Observed: 1 variant allele. Not counted in ClinVar's aggregate classification.